The following is an entry in ClinVar:

ClinVar aggregate classification (germline): Uncertain significance (1 of 4 stars; one submission).

Submission:

Labcorp Genetics (formerly Invitae), Labcorp
Classification: Uncertain significance. Last evaluated: 2024-03-10. Review status: criteria provided, single submitter. Criteria: Invitae Variant Classification Sherloc (09022015). Collection method: clinical testing. Allele origin: germline.
Comment: This sequence change creates a premature translational stop signal (p.His178Profs*3) in the GEN1 gene. It is expected to result in an absent or disrupted protein product. However, the current clinical and genetic evidence is not sufficient to establish whether loss-of-function variants in GEN1 cause disease. This variant is present in population databases (rs750656051, gnomAD 0.007%). This variant has not been reported in the literature in individuals affected with GEN1-related conditions. In summary, the available evidence is currently insufficient to determine the role of this variant in disease. Therefore, it has been classified as a Variant of Uncertain Significance.

NM_001130009.3(GEN1):c.532dup (p.His178fs)

Gene: GEN1 (GEN1 structure-specific endonuclease; plus strand). Cytogenetic location: 2p24.2.
Variant type: Duplication.
Coding change: c.532dup on transcript NM_001130009.3 (MANE Select); coding-DNA position 532, one base duplicated (C; older notation c.532dupC).
Protein change: p.His178fs; shifts the reading frame from histidine 178.
Molecular consequence: frameshift variant.
Genome position (GRCh38, 1-based): chr2:17,766,585, C duplicated. VCF-style (leftmost placement, unchanged base first): chr2-17766584-A-AC. GRCh37 (hg19) VCF-style: chr2-17947851-A-AC.
Other names: c.532dup, p.His178fs (NM_182625.5); short protein forms H178fs.
Identifiers: ClinVar variation 3714825 (VCV003714825.2).